The following is an entry in ClinVar:

ClinVar aggregate classification (germline): Likely benign. Review status: criteria provided, multiple submitters, no conflicts (2 of 4 stars). 2 submissions from 2 submitters: Likely benign (2). Last evaluated 2018-06-14.

Allele frequency attached by ClinVar (database versions not stated): gnomAD exomes 0.00124 and 0.00344; ExAC 0.00414; 1000 Genomes Project 0.01398; gnomAD 0.01402 and 0.01494; 1000 Genomes Project 30x 0.01562; TOPMed 0.01598; ESP Exome Variant Server 0.01607.
gnomAD v4.1: 4,004 of 1,558,362 alleles (0.26%); highest among the groups gnomAD compares: African/African-American, 4.6%; 101 homozygotes.

Submissions (2):

GeneDx
Classification: Likely benign. Last evaluated: 2018-06-14. Review status: criteria provided, single submitter. Criteria: GeneDx Variant Classification (06012015). Collection method: clinical testing. Allele origin: germline. Affected: yes.
Comment: This variant is considered likely benign or benign based on one or more of the following criteria: it is a conservative change, it occurs at a poorly conserved position in the protein, it is predicted to be benign by multiple in silico algorithms, and/or has population frequency not consistent with disease.

Breakthrough Genomics
Classification: Likely benign. Review status: criteria provided, single submitter. Criteria: ACMG Guidelines, 2015. Collection method: not provided. Allele origin: germline. Inheritance: Autosomal recessive inheritance. Affected: yes.

NM_001182.5(ALDH7A1):c.1490-47A>G

Gene: ALDH7A1 (aldehyde dehydrogenase 7 family member A1; minus strand). Cytogenetic location: 5q23.2.
Variant type: single nucleotide variant.
Coding change: c.1490-47A>G on transcript NM_001182.5 (MANE Select); 47 bases into the intron before coding-DNA position 1490, A replaced by G.
Molecular consequence: intron variant.
Genome position (GRCh38, 1-based): chr5:126,546,446, T>C on the plus strand (A>G on the coding strand, the complement: ALDH7A1 is on the minus strand). VCF-style: chr5-126546446-T-C. GRCh37 (hg19) VCF-style: chr5-125882138-T-C.
Other names: c.1298-47A>G (NM_001202404.2); c.1406-47A>G (NM_001201377.2).
Identifiers: ClinVar variation 673755 (VCV000673755.2), dbSNP rs7719091, ClinGen allele CA3389390.
Genomic context (GRCh38, chr5:126,546,446, plus strand): 5'-GTGCTTTTCTCCTCCTAGAGAAATAAAAAATAATATCATATCTTCTGAGCAGTTTCCATG[T>C]GGGCTCATAGTTGGTATCAATGAAAAGAAGATACCAAAAGGACACCAGAACAACCTGATT-3'